The following is an entry in ClinVar:

ClinVar aggregate classification (germline): Uncertain significance. Review status: criteria provided, multiple submitters, no conflicts (2 of 4 stars). 2 submissions from 2 submitters: Uncertain significance (2). Last evaluated 2024-10-01.

Conditions:
Inborn genetic diseases. Identifiers: MedGen C0950123, MeSH D030342.

Allele frequency attached by ClinVar (database versions not stated): gnomAD exomes 0.00001; ExAC 0.00002; gnomAD 0.00002; TOPMed 0.00003.
gnomAD v4.1: 12 of 1,611,002 alleles (0.00074%); highest among the groups gnomAD compares: African/African-American, 0.004%; no homozygotes.

Submissions (2):

Ambry Genetics
Classification: Uncertain significance for Inborn genetic diseases. Last evaluated: 2024-10-01. Review status: criteria provided, single submitter. Criteria: Ambry Variant Classification Scheme 2023. Collection method: clinical testing. Allele origin: germline.

Labcorp Genetics (formerly Invitae), Labcorp
Classification: Uncertain significance. Last evaluated: 2022-05-19. Review status: criteria provided, single submitter. Criteria: Invitae Variant Classification Sherloc (09022015). Collection method: clinical testing. Allele origin: germline.
Comment: In summary, the available evidence is currently insufficient to determine the role of this variant in disease. Therefore, it has been classified as a Variant of Uncertain Significance. Algorithms developed to predict the effect of missense changes on protein structure and function are either unavailable or do not agree on the potential impact of this missense change (SIFT: "Deleterious"; PolyPhen-2: "Probably Damaging"; Align-GVGD: "Class C0"). This sequence change replaces histidine, which is basic and polar, with tyrosine, which is neutral and polar, at codon 838 of the RBBP8 protein (p.His838Tyr). This variant is present in population databases (rs776147346, gnomAD 0.008%). This variant has not been reported in the literature in individuals affected with RBBP8-related conditions.

NM_002894.3(RBBP8):c.2512C>T (p.His838Tyr)

Gene: RBBP8 (RB binding protein 8, endonuclease; plus strand). Cytogenetic location: 18q11.2.
Variant type: single nucleotide variant.
Coding change: c.2512C>T on transcript NM_002894.3 (MANE Select); coding-DNA position 2512, C replaced by T.
Protein change: p.His838Tyr; replaces histidine 838 with tyrosine.
Molecular consequence: missense variant. On other transcripts: synonymous variant (1).
Genome position (GRCh38, 1-based): chr18:23,022,186, C>T. VCF-style: chr18-23022186-C-T. GRCh37 (hg19) VCF-style: chr18-20602149-C-T.
Other names: c.2512C>T, p.His838Tyr (NM_203291.2); c.2415C>T, p.Asp805= (NM_203292.2); short protein forms H838Y.
Identifiers: ClinVar variation 2198247 (VCV002198247.4), dbSNP rs776147346, ClinGen allele CA8910383.